The following is an entry in ClinVar:

NM_004629.2(FANCG):c.1473del (p.Glu492fs)

Gene: FANCG (FA complementation group G; minus strand). Cytogenetic location: 9p13.3.
Variant type: Deletion.
Coding change: c.1473del on transcript NM_004629.2 (MANE Select); coding-DNA position 1473, one base deleted (A; older notation c.1473delA).
Protein change: p.Glu492fs; shifts the reading frame from glutamic acid 492.
Molecular consequence: frameshift variant.
Genome position (GRCh38, 1-based): chr9:35,075,286, T deleted on the plus strand (A on the coding strand, the reverse complement: FANCG is on the minus strand); the first of 5 consecutive T bases (chr9:35,075,286-35,075,290); deleting any one gives the same sequence. VCF-style (leftmost placement, unchanged base first): chr9-35075285-CT-C. GRCh37 (hg19) VCF-style: chr9-35075282-CT-C.
Other names: short protein forms E492fs.
Identifiers: ClinVar variation 2721404 (VCV002721404.4), dbSNP rs1251811392, ClinGen allele CA863522935.

ClinVar aggregate classification (germline): Pathogenic/Likely pathogenic. Review status: criteria provided, multiple submitters, no conflicts (2 of 4 stars). 2 submissions from 2 submitters: Pathogenic (1); Likely pathogenic (1). Last evaluated 2023-09-24.

Conditions:
Fanconi anemia complementation group G. Also called: Fanconi anemia group G; FANCG-Related Fanconi Anemia. Identifiers: Orphanet 84, MedGen C3469527, MONDO:0013565, OMIM 614082.
Fanconi anemia (FA). Also called: Fanconi's anemia. Identifiers: Orphanet 84, MedGen C0015625, MeSH D005199, MONDO:0019391.

Submissions (2):

Labcorp Genetics (formerly Invitae), Labcorp
Classification: Pathogenic for Fanconi anemia. Last evaluated: 2023-09-24. Review status: criteria provided, single submitter. Criteria: Invitae Variant Classification Sherloc (09022015). Collection method: clinical testing. Allele origin: germline.
Comment: For these reasons, this variant has been classified as Pathogenic. This variant has not been reported in the literature in individuals affected with FANCG-related conditions. This variant is not present in population databases (gnomAD no frequency). This sequence change creates a premature translational stop signal (p.Glu492Asnfs*26) in the FANCG gene. It is expected to result in an absent or disrupted protein product. Loss-of-function variants in FANCG are known to be pathogenic (PMID: 12552564).

Department of Pathology and Laboratory Medicine, Sinai Health System
Classification: Likely pathogenic for Fanconi anemia complementation group G. Last evaluated: 2023-04-18. Review status: criteria provided, single submitter. Criteria: ACMG Guidelines, 2015. Collection method: research. Allele origin: germline.

Literature cited by the submitters: PubMed 12552564 (cited by Labcorp Genetics (formerly Invitae), Labcorp).